The following is an entry in ClinVar:

NM_001290043.2(TAP2):c.115T>C (p.Trp39Arg)

Gene: TAP2 (transporter 2, ATP binding cassette subfamily B member; minus strand). Cytogenetic location: 6p21.32.
Variant type: single nucleotide variant.
Coding change: c.115T>C on transcript NM_001290043.2 (MANE Select); coding-DNA position 115, T replaced by C.
Protein change: p.Trp39Arg; replaces tryptophan 39 with arginine.
Molecular consequence: missense variant.
Genome position (GRCh38, 1-based): chr6:32,838,119, A>G on the plus strand (T>C on the coding strand, the complement: TAP2 is on the minus strand). VCF-style: chr6-32838119-A-G. GRCh37 (hg19) VCF-style: chr6-32805896-A-G.
Other names: c.115T>C, p.Trp39Arg (NM_000544.3, NM_018833.3); short protein forms W39R.
Identifiers: ClinVar variation 1027184 (VCV001027184.9), dbSNP rs776491919, ClinGen allele CA3746224.
Genomic context (GRCh38, chr6:32,838,119, plus strand): 5'-GCAGCCCTCTTAGCTTTAGCAGCCCCCACAGCCCTCCCAGCCGCAGGGTCCCCTCCAGCC[A>G]TAGTCCTGGCAGCCCTTGAGGAAGCAAAGTCCCCAGAGGGCCCTGAAGCAGCCACAGTAA-3'
Protein context (NP_001276972.1, residues 29-49): TLLPQGLPGL[Trp39Arg]LEGTLRLGGL

ClinVar aggregate classification (germline): Uncertain significance. Review status: criteria provided, multiple submitters, no conflicts (2 of 4 stars). 2 submissions from 2 submitters: Uncertain significance (2). Last evaluated 2024-12-02.

Conditions:
MHC class I deficiency. Identifiers: Orphanet 34592, MedGen C6024714, MONDO:0011476.
Inborn genetic diseases. Identifiers: MedGen C0950123, MeSH D030342.

Allele frequency attached by ClinVar (database versions not stated): gnomAD 0.00001; gnomAD exomes 0.00006 and 0.00003; ExAC 0.00005.
gnomAD v4.1: 45 of 1,610,726 alleles (0.0028%); highest among the groups gnomAD compares: South Asian, 0.044%; no homozygotes.

Submissions (2):

Ambry Genetics
Classification: Uncertain significance for Inborn genetic diseases. Last evaluated: 2024-12-02. Review status: criteria provided, single submitter. Criteria: Ambry Variant Classification Scheme 2023. Collection method: clinical testing. Allele origin: germline.

Labcorp Genetics (formerly Invitae), Labcorp
Classification: Uncertain significance for MHC class I deficiency 1. Last evaluated: 2024-08-13. Review status: criteria provided, single submitter. Criteria: Invitae Variant Classification Sherloc (09022015). Collection method: clinical testing. Allele origin: germline.
Comment: This sequence change replaces tryptophan, which is neutral and slightly polar, with arginine, which is basic and polar, at codon 39 of the TAP2 protein (p.Trp39Arg). This variant is present in population databases (rs776491919, gnomAD 0.04%). This variant has not been reported in the literature in individuals affected with TAP2-related conditions. ClinVar contains an entry for this variant (Variation ID: 1027184). Experimental studies and prediction algorithms are not available or were not evaluated, and the functional significance of this variant is currently unknown. In summary, the available evidence is currently insufficient to determine the role of this variant in disease. Therefore, it has been classified as a Variant of Uncertain Significance.